The following is an entry in ClinVar:

NM_000186.4(CFH):c.1145C>A (p.Ala382Glu)

Gene: CFH (complement factor H; plus strand). Cytogenetic location: 1q31.3.
Variant type: single nucleotide variant.
Coding change: c.1145C>A on transcript NM_000186.4 (MANE Select); coding-DNA position 1145, C replaced by A.
Protein change: p.Ala382Glu; replaces alanine 382 with glutamic acid.
Molecular consequence: missense variant.
Genome position (GRCh38, 1-based): chr1:196,689,600, C>A. VCF-style: chr1-196689600-C-A. GRCh37 (hg19) VCF-style: chr1-196658730-C-A.
Other names: c.1145C>A, p.Ala382Glu (NM_001014975.3); short protein forms A382E.
Identifiers: ClinVar variation 4291364 (VCV004291364.1).

ClinVar aggregate classification (germline): Uncertain significance (1 of 4 stars; one submission).

Conditions:
Atypical hemolytic-uremic syndrome. Identifiers: Orphanet 2134, MedGen C2931788, MONDO:0016244.
Basal laminar drusen. Also called: DRUSEN OF BRUCH MEMBRANE; DRUSEN, CUTICULAR; DRUSEN, EARLY ADULT-ONSET, GROUPED. Identifiers: Orphanet 75376, MedGen C0730295, MONDO:0007472, OMIM 126700.
Factor H deficiency (CFHD). Also called: COMPLEMENT FACTOR H DEFICIENCY; CFH DEFICIENCY. Identifiers: Orphanet 200421, MedGen C0398777, MONDO:0012350, OMIM 609814.
Age related macular degeneration 4. Identifiers: MedGen C1853147, MONDO:0012540, OMIM 610698.

Submission:

Genomenon, Inc
Classification: Uncertain significance for Basal laminar drusen; Age related macular degeneration 4; Atypical hemolytic-uremic syndrome; Factor H deficiency. Last evaluated: 2025-10-02. Review status: criteria provided, single submitter. Criteria: Genomenon Sequence Variant Interpretation Standards - Updated. Collection method: curation. Allele origin: germline. Affected: no.
Comment: CFH p.Ala382Glu (c.1145C>A) is a missense variant that changes the amino acid at residue 382 from Alanine to Glutamic acid. This variant has been reported in the published literature (PMID:30674459). It is absent or not present at a significant frequency in gnomAD. In silico models agree that this variant is not damaging. In conclusion, we classify CFH p.Ala382Glu (c.1145C>A) as a variant of uncertain significance.

Literature cited by the submitters: PubMed 30674459.